The following is an entry in ClinVar:

NM_001134363.3(RBM20):c.462A>G (p.Gln154=)

Gene: RBM20 (RNA binding motif protein 20; plus strand). Cytogenetic location: 10q25.2.
Variant type: single nucleotide variant.
Coding change: c.462A>G on transcript NM_001134363.3 (MANE Select); coding-DNA position 462, A replaced by G.
Protein change: p.Gln154=; no amino-acid change (glutamine 154 retained).
Molecular consequence: synonymous variant.
Genome position (GRCh38, 1-based): chr10:110,781,071, A>G. VCF-style: chr10-110781071-A-G. GRCh37 (hg19) VCF-style: chr10-112540829-A-G.
Identifiers: ClinVar variation 4534082 (VCV004534082.6).

ClinVar aggregate classification (germline): Likely benign (1 of 4 stars; one submission).

gnomAD v4.1: 1 of 1,551,828 alleles (0.000064%); no homozygotes.

Submission:

CeGaT Center for Human Genetics Tuebingen
Classification: Likely benign. Last evaluated: 2026-10-01. Review status: criteria provided, single submitter. Criteria: CeGaT Center For Human Genetics Tuebingen Variant Classification Criteria Version 2. Collection method: clinical testing. Allele origin: germline. Affected: yes. Observed: 5 variant alleles.
Comment: RBM20: BP4, BP7